The following is an entry in ClinVar:

ClinVar aggregate classification (germline): Uncertain significance (1 of 4 stars; one submission).

Submission:

Ambry Genetics
Classification: Uncertain significance. Last evaluated: 2026-03-07. Review status: criteria provided, single submitter. Criteria: Ambry Variant Classification Scheme 2023. Collection method: clinical testing. Allele origin: germline.
Comment: The p.G155R variant (also known as c.463G>C), located in coding exon 4 of the RECQL gene, results from a G to C substitution at nucleotide position 463. The glycine at codon 155 is replaced by arginine, an amino acid with dissimilar properties. This amino acid position is conserved. In addition, the in silico prediction for this alteration is inconclusive. Based on the available evidence, the clinical significance of this variant remains unclear.

NM_002907.4(RECQL):c.463G>C (p.Gly155Arg)

Gene: RECQL (RecQ like helicase; minus strand). Cytogenetic location: 12p12.1.
Variant type: single nucleotide variant.
Coding change: c.463G>C on transcript NM_002907.4 (MANE Select); coding-DNA position 463, G replaced by C.
Protein change: p.Gly155Arg; replaces glycine 155 with arginine.
Molecular consequence: missense variant.
Genome position (GRCh38, 1-based): chr12:21,486,517, C>G on the plus strand (G>C on the coding strand, the complement: RECQL is on the minus strand). VCF-style: chr12-21486517-C-G. GRCh37 (hg19) VCF-style: chr12-21639451-C-G.
Other names: c.463G>C, p.Gly155Arg (NM_032941.3); short protein forms G155R.
Identifiers: ClinVar variation 4826747 (VCV004826747.1).